The following is an entry in ClinVar:

NM_001164508.2(NEB):c.1654A>G (p.Asn552Asp)

Gene: NEB (nebulin; minus strand). Cytogenetic location: 2q23.3.
Variant type: single nucleotide variant.
Coding change: c.1654A>G on transcript NM_001164508.2 (MANE Select); coding-DNA position 1654, A replaced by G.
Protein change: p.Asn552Asp; replaces asparagine 552 with aspartic acid.
Molecular consequence: missense variant.
Genome position (GRCh38, 1-based): chr2:151,695,598, T>C on the plus strand (A>G on the coding strand, the complement: NEB is on the minus strand). VCF-style: chr2-151695598-T-C. GRCh37 (hg19) VCF-style: chr2-152552112-T-C.
Other names: c.1654A>G, p.Asn552Asp (NM_001164507.2, NM_001271208.2, NM_004543.5); short protein forms N552D.
Identifiers: ClinVar variation 839711 (VCV000839711.9), dbSNP rs2099590400, ClinGen allele CA348824850.
Genomic context (GRCh38, chr2:151,695,598, plus strand): 5'-TTGTCAGTACATCACATGGTACAGGGCATAAGGAACTTACATCACTCAAGTTATAGGCAT[T>C]GACTTTGTGCTGGATAAAAGCAGGAGTATCAGGGGGGATATGGCACTTGAACTTTTCACT-3'
Protein context (NP_001157980.2, residues 542-562): DTPAFIQHKV[Asn552Asp]AYNLSDNLYK

ClinVar aggregate classification (germline): Uncertain significance (1 of 4 stars; one submission).

Conditions:
Nemaline myopathy 2 (NEM2). Also called: Nemaline myopathy 2, autosomal recessive. Identifiers: MedGen C1850569, MONDO:0009725, OMIM 256030.

Allele frequency attached by ClinVar (database versions not stated): gnomAD exomes below 0.00001.
gnomAD v4.1: 1 of 1,613,736 alleles (0.000062%); highest among the groups gnomAD compares: Non-Finnish European, 0.000085%; no homozygotes.

Submission:

Labcorp Genetics (formerly Invitae), Labcorp
Classification: Uncertain significance for Nemaline myopathy 2. Last evaluated: 2024-01-08. Review status: criteria provided, single submitter. Criteria: Invitae Variant Classification Sherloc (09022015). Collection method: clinical testing. Allele origin: germline.
Comment: This sequence change replaces asparagine, which is neutral and polar, with aspartic acid, which is acidic and polar, at codon 552 of the NEB protein (p.Asn552Asp). This variant is not present in population databases (gnomAD no frequency). This variant has not been reported in the literature in individuals affected with NEB-related conditions. ClinVar contains an entry for this variant (Variation ID: 839711). Experimental studies and prediction algorithms are not available or were not evaluated, and the functional significance of this variant is currently unknown. In summary, the available evidence is currently insufficient to determine the role of this variant in disease. Therefore, it has been classified as a Variant of Uncertain Significance.